The following is an entry in ClinVar:

ClinVar aggregate classification (germline): Uncertain significance (1 of 4 stars; one submission).

Conditions:
Hereditary spastic paraplegia 62. Also called: Spastic paraplegia 62, autosomal recessive. Identifiers: Orphanet 401785, MedGen C4284588, MONDO:0014302, OMIM 615681.

gnomAD v4.1: 4 of 1,609,062 alleles (0.00025%); highest among the groups gnomAD compares: Admixed American, 0.0017%; no homozygotes.

Submission:

Labcorp Genetics (formerly Invitae), Labcorp
Classification: Uncertain significance for Hereditary spastic paraplegia 62. Last evaluated: 2022-08-17. Review status: criteria provided, single submitter. Criteria: Invitae Variant Classification Sherloc (09022015). Collection method: clinical testing. Allele origin: germline.
Comment: In summary, the available evidence is currently insufficient to determine the role of this variant in disease. Therefore, it has been classified as a Variant of Uncertain Significance. Algorithms developed to predict the effect of missense changes on protein structure and function are either unavailable or do not agree on the potential impact of this missense change (SIFT: "Tolerated"; PolyPhen-2: "Probably Damaging"; Align-GVGD: "Class C0"). This variant has not been reported in the literature in individuals affected with ERLIN1-related conditions. This variant is present in population databases (no rsID available, gnomAD 0.0009%). This sequence change replaces isoleucine, which is neutral and non-polar, with methionine, which is neutral and non-polar, at codon 247 of the ERLIN1 protein (p.Ile247Met).

NM_006459.4(ERLIN1):c.741C>G (p.Ile247Met)

Gene: ERLIN1 (ER lipid raft associated 1; minus strand). Cytogenetic location: 10q24.31.
Variant type: single nucleotide variant.
Coding change: c.741C>G on transcript NM_006459.4 (MANE Select); coding-DNA position 741, C replaced by G.
Protein change: p.Ile247Met; replaces isoleucine 247 with methionine.
Molecular consequence: missense variant. On other transcripts: non-coding transcript variant (6).
Genome position (GRCh38, 1-based): chr10:100,156,149, G>C on the plus strand (C>G on the coding strand, the complement: ERLIN1 is on the minus strand). VCF-style: chr10-100156149-G-C. GRCh37 (hg19) VCF-style: chr10-101915906-G-C.
Other names: c.741C>G, p.Ile247Met (NM_001100626.2, NM_001347857.2, NM_001347859.2 and 2 more transcripts); c.489C>G, p.Ile163Met (NM_001347856.2); c.261C>G, p.Ile87Met (NM_001347858.2); short protein forms I163M, I247M, I87M.
Identifiers: ClinVar variation 2417562 (VCV002417562.6), dbSNP rs543960752, ClinGen allele CA378151969.